The following is an entry in ClinVar:

NM_080425.4(GNAS):c.1571G>A (p.Arg524His)

Gene: GNAS (GNAS complex locus; plus strand). Cytogenetic location: 20q13.32.
Variant type: single nucleotide variant.
Coding change: c.1571G>A on transcript NM_080425.4 (MANE Plus Clinical); coding-DNA position 1571, G replaced by A.
Protein change: p.Arg524His; replaces arginine 524 with histidine.
Molecular consequence: missense variant. On other transcripts: intron variant (3).
Genome position (GRCh38, 1-based): chr20:58,854,836, G>A. VCF-style: chr20-58854836-G-A. GRCh37 (hg19) VCF-style: chr20-57429891-G-A.
Other names: c.1384G>A, p.Ala462Thr (NM_001077490.3, NM_001309883.1); c.1571G>A, p.Arg524His (NM_001410913.1); c.*42+13950G>A (NM_016592.5); c.43+13950G>A (NM_001410912.1); c.-39+12961G>A (NM_001309861.2); short protein forms A462T, R524H.
Identifiers: ClinVar variation 3030515 (VCV003030515.3), dbSNP rs745875776, ClinGen allele CA9926714.
Genomic context (GRCh38, chr20:58,854,836, plus strand): 5'-CCACCCGGGCAGCCCAAGTCCGCCGGGCGGCCTCTGCAGCCCCTGCCTCCGGGGCCAGAC[G>A]CAAGATCCATCTCAGACCCCCCAGCCCCGAGATCCAGGCTGCCGATCCGCCTACTCCGCG-3'
Protein context (NP_536350.2, residues 514-534): ASAAPASGAR[Arg524His]KIHLRPPSPE

ClinVar aggregate classification (germline): Likely benign (1 of 4 stars; one submission).

Conditions:
GNAS-related disorder. Identifiers: MedGen CN380105.

Allele frequency attached by ClinVar (database versions not stated): gnomAD exomes 0.00001; gnomAD 0.00003; ExAC 0.00010.
gnomAD v4.1: 23 of 1,595,428 alleles (0.0014%); highest among the groups gnomAD compares: East Asian, 0.027%; no homozygotes.

Submission:

PreventionGenetics, part of Exact Sciences
Classification: Likely benign for GNAS-related condition. Last evaluated: 2025-09-04. Review status: criteria provided, single submitter. Criteria: ACMG Guidelines, 2015. Collection method: clinical testing. Allele origin: germline.
Comment: This variant is classified as likely benign based on ACMG/AMP sequence variant interpretation guidelines (Richards et al. 2015 PMID: 25741868, with internal and published modifications).